The following is an entry in ClinVar:

NM_001146312.3(MYOCD):c.2246C>T (p.Ser749Leu)

Gene: MYOCD (myocardin; plus strand). Cytogenetic location: 17p12.
Variant type: single nucleotide variant.
Coding change: c.2246C>T on transcript NM_001146312.3 (MANE Select); coding-DNA position 2246, C replaced by T.
Protein change: p.Ser749Leu; replaces serine 749 with leucine.
Molecular consequence: missense variant.
Genome position (GRCh38, 1-based): chr17:12,758,128, C>T. VCF-style: chr17-12758128-C-T. GRCh37 (hg19) VCF-style: chr17-12661445-C-T.
Other names: c.2009C>T, p.Ser670Leu (NM_001378306.1); c.2102C>T, p.Ser701Leu (NM_153604.4); short protein forms S701L, S749L, S670L.
Identifiers: ClinVar variation 4988565 (VCV004988565.1).
Genomic context (GRCh38, chr17:12,758,128, plus strand): 5'-ATATTTTACCCATGCAGATGGCTGGTTTACACTCTTCTGATAAGGTGGGGCCAAAGTTTT[C>T]AATTCCATCCCCAACTTTTTCTAAGTCAAGTTCAGCAATTTCAGAGGTAACACAGCCTCC-3'
Protein context (NP_001139784.1, residues 739-759): HSSDKVGPKF[Ser749Leu]IPSPTFSKSS

ClinVar aggregate classification (germline): Uncertain significance (1 of 4 stars; one submission).

Conditions:
MYOCD-related condition.

gnomAD v4.1: 2 of 1,614,146 alleles (0.00012%); highest among the groups gnomAD compares: East Asian, 0.0022%; no homozygotes.

Submission:

PreventionGenetics, part of Exact Sciences
Classification: Uncertain significance for MYOCD-related condition. Last evaluated: 2025-07-11. Review status: criteria provided, single submitter. Criteria: ACMG Guidelines, 2015. Collection method: clinical testing. Allele origin: germline.
Comment: The MYOCD c.2246C>T variant is predicted to result in the amino acid substitution p.Ser749Leu. To our knowledge, this variant has not been reported in the literature. This variant is reported in 0.0054% of alleles in individuals of East Asian descent in gnomAD. At this time, the clinical significance of this variant is uncertain due to the absence of conclusive functional and genetic evidence.